The following is an entry in ClinVar:

NM_181697.3(PRDX1):c.107-15C>T

Gene: PRDX1 (peroxiredoxin 1; minus strand). Cytogenetic location: 1p34.1.
Variant type: single nucleotide variant.
Coding change: c.107-15C>T on transcript NM_181697.3 (MANE Select); 15 bases into the intron before coding-DNA position 107, C replaced by T.
Molecular consequence: intron variant.
Genome position (GRCh38, 1-based): chr1:45,515,822, G>A on the plus strand (C>T on the coding strand, the complement: PRDX1 is on the minus strand). VCF-style: chr1-45515822-G-A. GRCh37 (hg19) VCF-style: chr1-45981494-G-A.
Other names: p.?; c.107-15C>T (NM_002574.3, NM_001202431.2, NM_181696.3 and 1 more transcripts).
Identifiers: ClinVar variation 1579810 (VCV001579810.10), dbSNP rs139756090, ClinGen allele CA828072.

ClinVar aggregate classification (germline): Benign/Likely benign. Review status: criteria provided, multiple submitters, no conflicts (2 of 4 stars). 3 submissions from 3 submitters: Benign (2); Likely benign (1). Last evaluated 2026-01-19.

Allele frequency attached by ClinVar (database versions not stated): 1000 Genomes Project 30x 0.00328; 1000 Genomes Project 0.00359; TOPMed 0.00718; ESP Exome Variant Server 0.00784; gnomAD 0.00826 and 0.00841; ExAC 0.00927; gnomAD exomes 0.01027 and 0.01058.
gnomAD v4.1: 16,080 of 1,544,544 alleles (1%); highest among the groups gnomAD compares: Non-Finnish European, 1.1%; 111 homozygotes.

Submissions (3):

Labcorp Genetics (formerly Invitae), Labcorp
Classification: Benign. Last evaluated: 2026-01-19. Review status: criteria provided, single submitter. Criteria: Invitae Variant Classification Sherloc (09022015). Collection method: clinical testing. Allele origin: germline.

Mayo Clinic Laboratories, Mayo Clinic
Classification: Likely benign. Last evaluated: 2025-06-03. Review status: criteria provided, single submitter. Criteria: ACMG Guidelines, 2015. Collection method: clinical testing. Allele origin: germline. Observed: 1 variant allele.
Comment: BS1, BS2, BP7

Breakthrough Genomics
Classification: Benign. Review status: criteria provided, single submitter. Criteria: ACMG Guidelines, 2015. Collection method: not provided. Allele origin: germline. Inheritance: Autosomal recessive inheritance. Affected: yes.